The following is an entry in ClinVar:

ClinVar aggregate classification (germline): Uncertain significance. Review status: criteria provided, multiple submitters, no conflicts (2 of 4 stars). 3 submissions from 3 submitters: Uncertain significance (3). Last evaluated 2021-09-22.

Conditions:
Charcot-Marie-Tooth disease type 4. Also called: Charcot-Marie-Tooth disease, type IV; Charcot-Marie-Tooth, Type 4. Identifiers: Orphanet 64749, MedGen C4082197, MONDO:0018995.
Inborn genetic diseases. Identifiers: MedGen C0950123, MeSH D030342.
Charcot-Marie-Tooth disease. Also called: Charcot-Marie-Tooth Hereditary Neuropathy; Charcot-Marie-Tooth Neuropathy. Identifiers: Orphanet 166, MedGen C0007959, MONDO:0015626.

Allele frequency attached by ClinVar (database versions not stated): gnomAD exomes below 0.00001.
gnomAD v4.1: 4 of 1,614,056 alleles (0.00025%); highest among the groups gnomAD compares: Non-Finnish European, 0.00034%; no homozygotes.

Submissions (3):

Ambry Genetics
Classification: Uncertain significance for Inborn genetic diseases. Last evaluated: 2021-09-22. Review status: criteria provided, single submitter. Criteria: Ambry Variant Classification Scheme 2023. Collection method: clinical testing. Allele origin: germline.
Comment: The p.S265T variant (also known as c.793T>A), located in coding exon 7 of the SH3TC2 gene, results from a T to A substitution at nucleotide position 793. The serine at codon 265 is replaced by threonine, an amino acid with similar properties. This amino acid position is well conserved in available vertebrate species. In addition, this alteration is predicted to be tolerated by in silico analysis. Since supporting evidence is limited at this time, the clinical significance of this alteration remains unclear.

Labcorp Genetics (formerly Invitae), Labcorp
Classification: Uncertain significance for Charcot-Marie-Tooth disease type 4. Last evaluated: 2021-09-01. Review status: criteria provided, single submitter. Criteria: Invitae Variant Classification Sherloc (09022015). Collection method: clinical testing. Allele origin: germline.
Comment: This sequence change replaces serine with threonine at codon 265 of the SH3TC2 protein (p.Ser265Thr). The serine residue is highly conserved and there is a small physicochemical difference between serine and threonine. This variant is not present in population databases (ExAC no frequency). This variant has not been reported in the literature in individuals affected with SH3TC2-related conditions. Algorithms developed to predict the effect of missense changes on protein structure and function (SIFT, PolyPhen-2, Align-GVGD) all suggest that this variant is likely to be tolerated. In summary, the available evidence is currently insufficient to determine the role of this variant in disease. Therefore, it has been classified as a Variant of Uncertain Significance.

Molecular Genetics Laboratory, London Health Sciences Centre
Classification: Uncertain significance for Charcot-Marie-Tooth disease. Review status: criteria provided, single submitter. Criteria: ACMG Guidelines, 2015. Collection method: clinical testing. Allele origin: germline. Affected: yes.

NM_024577.4(SH3TC2):c.793T>A (p.Ser265Thr)

Gene: SH3TC2 (SH3 domain and tetratricopeptide repeats 2; minus strand). Cytogenetic location: 5q32.
Variant type: single nucleotide variant.
Coding change: c.793T>A on transcript NM_024577.4 (MANE Select); coding-DNA position 793, T replaced by A.
Protein change: p.Ser265Thr; replaces serine 265 with threonine.
Molecular consequence: missense variant.
Genome position (GRCh38, 1-based): chr5:149,040,616, A>T on the plus strand (T>A on the coding strand, the complement: SH3TC2 is on the minus strand). VCF-style: chr5-149040616-A-T. GRCh37 (hg19) VCF-style: chr5-148420179-A-T.
Other names: short protein forms S265T.
Identifiers: ClinVar variation 641251 (VCV000641251.9), dbSNP rs1580909284, ClinGen allele CA361673860.